The following is an entry in ClinVar:

NM_001374828.1(ARID1B):c.3128T>C (p.Met1043Thr)

Gene: ARID1B (AT-rich interaction domain 1B; plus strand). Cytogenetic location: 6q25.3.
Variant type: single nucleotide variant.
Coding change: c.3128T>C on transcript NM_001374828.1 (MANE Select); coding-DNA position 3128, T replaced by C.
Protein change: p.Met1043Thr; replaces methionine 1043 with threonine.
Molecular consequence: missense variant.
Genome position (GRCh38, 1-based): chr6:157,167,078, T>C. VCF-style: chr6-157167078-T-C. GRCh37 (hg19) VCF-style: chr6-157488212-T-C.
Other names: c.3128T>C, p.Met1043Thr (NM_017519.3); c.2918T>C, p.Met973Thr (NM_020732.3); c.2705T>C, p.Met902Thr (NM_175863.2); c.2879T>C, p.Met960Thr (NM_001346813.1); c.629T>C, p.Met210Thr (NM_001363725.2); c.3167T>C, p.Met1056Thr (NM_001371656.1, NM_001374820.1); short protein forms M1056T, M960T, M902T, M973T, M1043T, M210T.
Identifiers: ClinVar variation 1797653 (VCV001797653.11), dbSNP rs370071892, ClinGen allele CA4067215.

ClinVar aggregate classification (germline): Likely benign. Review status: criteria provided, multiple submitters, no conflicts (2 of 4 stars). 5 submissions from 5 submitters: Likely benign (4). 1 of the submissions does not count toward it. Last evaluated 2025-10-24.

Conditions:
ARID1B-Related Disorder. Identifiers: MedGen CN381337.
Inborn genetic diseases. Identifiers: MedGen C0950123, MeSH D030342.

Allele frequency attached by ClinVar (database versions not stated): ESP Exome Variant Server 0.00008; gnomAD 0.00008; TOPMed 0.00010; 1000 Genomes Project 30x 0.00016; 1000 Genomes Project 0.00020; ExAC 0.00021.

Submissions (5):

Labcorp Genetics (formerly Invitae), Labcorp
Classification: Likely benign. Last evaluated: 2025-10-24. Review status: criteria provided, single submitter. Criteria: Invitae Variant Classification Sherloc (09022015). Collection method: clinical testing. Allele origin: germline.

Laboratory of Genetics, Children's Clinical University Hospital Latvia
Classification: Likely benign. Last evaluated: 2025-02-16. Review status: criteria provided, single submitter. Criteria: ACMG Guidelines, 2015. Collection method: clinical testing. Allele origin: germline. Affected: yes.

Blueprint Genetics
Classification: Likely benign. Last evaluated: 2024-11-26. Review status: criteria provided, single submitter. Criteria: ACMG Guidelines, 2015. Collection method: clinical testing. Allele origin: germline.

Ambry Genetics
Classification: Likely benign for Inborn genetic diseases. Last evaluated: 2021-12-14. Review status: criteria provided, single submitter. Criteria: Ambry Variant Classification Scheme 2023. Collection method: clinical testing. Allele origin: germline.

PreventionGenetics, part of Exact Sciences
Classification: Likely benign for ARID1B-related condition. Last evaluated: 2022-03-10. Review status: no assertion criteria provided. Collection method: clinical testing. Allele origin: germline. Not counted in ClinVar's aggregate classification.
Comment: This variant is classified as likely benign based on ACMG/AMP sequence variant interpretation guidelines (Richards et al. 2015 PMID: 25741868, with internal and published modifications).